The following is an entry in ClinVar:

ClinVar aggregate classification (germline): not provided (0 of 4 stars; one submission).

Allele frequency attached by ClinVar (database versions not stated): gnomAD 0.00001; gnomAD exomes 0.00001 and 0.00002; ExAC 0.00002; TOPMed 0.00004.
gnomAD v4.1: 12 of 1,576,988 alleles (0.00076%); highest among the groups gnomAD compares: South Asian, 0.0055%; no homozygotes.

Submission:

Human Evolutionary Genetics, Institut Pasteur
No classification provided. Review status: no classification provided. Collection method: not provided. Allele origin: germline.
ClinVar note: Converted during submission from untested to not provided.

NM_006092.4(NOD1):c.2202-27C>T

Gene: NOD1 (nucleotide binding oligomerization domain containing 1; minus strand). Cytogenetic location: 7p14.3.
Variant type: single nucleotide variant.
Coding change: c.2202-27C>T on transcript NM_006092.4 (MANE Select); 27 bases into the intron before coding-DNA position 2202, C replaced by T.
Molecular consequence: intron variant.
Genome position (GRCh38, 1-based): chr7:30,448,408, G>A on the plus strand (C>T on the coding strand, the complement: NOD1 is on the minus strand). VCF-style: chr7-30448408-G-A. GRCh37 (hg19) VCF-style: chr7-30488024-G-A.
Other names: c.2202-27C>T (NM_001354849.2).
Identifiers: ClinVar variation 103095 (VCV000103095.2), dbSNP rs199476265, ClinGen allele CA230112.
Genomic context (GRCh38, chr7:30,448,408, plus strand): 5'-TACCCCACCGTCAGTGATCTGGTTTACGCTGAGTCTGAAATAAAACAGCAAAAAAATTAC[G>A]AGTCAGGGCAGGCACTCATTATGAAGGACCATTAATCTTACAAAGATCCAGAAGCCTTCA-3'